The following is an entry in ClinVar:

ClinVar aggregate classification (germline): Benign (1 of 4 stars; one submission).

Allele frequency attached by ClinVar (database versions not stated): 1000 Genomes Project 0.42991; 1000 Genomes Project 30x 0.43473; gnomAD 0.52177; TOPMed 0.52194.
gnomAD v4.1: 79,428 of 151,928 alleles (52%); highest among the groups gnomAD compares: Non-Finnish European, 63%; 22,284 homozygotes.

Submission:

Unidad de Genómica Garrahan, Hospital de Pediatría Garrahan
Classification: Benign. Last evaluated: 2024-01-24. Review status: criteria provided, single submitter. Criteria: ACMG Guidelines, 2015. Collection method: clinical testing. Allele origin: germline. Affected: no. Observed: 82 variant alleles.
Comment: This variant is classified as Benign based on local population frequency. This variant was detected in 86% of patients studied by a panel of primary immunodeficiencies. Number of patients: 82. Only high quality variants are reported.

NM_006235.3(POU2AF1):c.456+1000A>G

Gene: POU2AF1 (POU class 2 homeobox associating factor 1; minus strand). Cytogenetic location: 11q23.1.
Variant type: single nucleotide variant.
Coding change: c.456+1000A>G on transcript NM_006235.3 (MANE Select); 1000 bases into the intron after coding-DNA position 456, A replaced by G.
Molecular consequence: intron variant.
Genome position (GRCh38, 1-based): chr11:111,356,445, T>C on the plus strand (A>G on the coding strand, the complement: POU2AF1 is on the minus strand). VCF-style: chr11-111356445-T-C. GRCh37 (hg19) VCF-style: chr11-111227170-T-C.
Identifiers: ClinVar variation 2687959 (VCV002687959.2), dbSNP rs4387383, ClinGen allele CA13449222.
Genomic context (GRCh38, chr11:111,356,445, plus strand): 5'-TAGAAGGTGCTTGGAGGCAGGGGCAGGTGCATCAGGATGACACTGGACCCTGGAGGGAAA[T>C]GGAAGAGACAAGGTGGACCAAAGCAAGCACCACCATCGAAGGTGGGCTCTGGGACTGCTC-3'